The following is an entry in ClinVar:

ClinVar aggregate classification (germline): Uncertain significance (1 of 4 stars; one submission).

Conditions:
Developmental and epileptic encephalopathy, 30 (DEE30). Also called: Epileptic encephalopathy, early infantile, 30. Identifiers: MedGen C4225360, MONDO:0014595, OMIM 616341.

Submission:

Labcorp Genetics (formerly Invitae), Labcorp
Classification: Uncertain significance for Developmental and epileptic encephalopathy, 30. Last evaluated: 2021-08-09. Review status: criteria provided, single submitter. Criteria: Invitae Variant Classification Sherloc (09022015). Collection method: clinical testing. Allele origin: germline.
Comment: This variant has been observed in individual(s) with clinical features of epileptic encephalopathy with cerebellar atrophy (Invitae). In summary, the available evidence is currently insufficient to determine the role of this variant in disease. Therefore, it has been classified as a Variant of Uncertain Significance. Experimental studies and prediction algorithms are not available or were not evaluated, and the functional significance of this variant is currently unknown. This variant is not present in population databases (ExAC no frequency). This variant, c.1276_1278del, results in the deletion of 1 amino acid(s) of the SIK1 protein (p.Ser426del), but otherwise preserves the integrity of the reading frame.

NM_173354.5(SIK1):c.1276_1278del (p.Ser426del)

Gene: SIK1 (salt inducible kinase 1; minus strand). Cytogenetic location: 21q22.3.
Variant type: Deletion.
Coding change: c.1276_1278del on transcript NM_173354.5 (MANE Select); coding-DNA positions 1276 to 1278, 3 bases deleted (AGC; older notation c.1276_1278delAGC).
Protein change: p.Ser426del; deletes serine 426.
Molecular consequence: inframe deletion.
Genome position (GRCh38, 1-based): chr21:43,419,205-43,419,207, GCT deleted on the plus strand (AGC on the coding strand, the reverse complement: SIK1 is on the minus strand); deleting any 3 consecutive bases within chr21:43,419,205-43,419,209 gives the same sequence; the c. name uses the placement nearest the transcript's 3' end. VCF-style (leftmost placement, unchanged base first): chr21-43419204-CGCT-C. GRCh37 (hg19) VCF-style: chr21-44839084-CGCT-C.
Other names: short protein forms S426del.
Identifiers: ClinVar variation 1511502 (VCV001511502.6), dbSNP rs1569015196, ClinGen allele CA920314211.